The following is an entry in ClinVar:

NM_001365008.2(IZUMO3):c.148C>T (p.Leu50=)

Genes: IZUMO3 (IZUMO family member 3; minus strand), LOC126860598 (P300/CBP strongly-dependent group 1 enhancer GRCh37_chr9:24544345-24545544; plus strand). Cytogenetic location: 9p21.3.
Variant type: single nucleotide variant.
Coding change: c.148C>T on transcript NM_001365008.2 (MANE Select); coding-DNA position 148, C replaced by T.
Protein change: p.Leu50=; no amino-acid change (leucine 50 retained).
Molecular consequence: synonymous variant.
Genome position (GRCh38, 1-based): chr9:24,545,502, G>A on the plus strand (C>T on the coding strand, the complement: IZUMO3 is on the minus strand). VCF-style: chr9-24545502-G-A. GRCh37 (hg19) VCF-style: chr9-24545500-G-A.
Other names: c.148C>T, p.Leu50= (NM_001271706.1).
Identifiers: ClinVar variation 2659133 (VCV002659133.24), dbSNP rs781627831, ClinGen allele CA5013510.

ClinVar aggregate classification (germline): Likely benign (1 of 4 stars; one submission).

Allele frequency attached by ClinVar (database versions not stated): ExAC 0.00009; gnomAD 0.00039; TOPMed 0.00049; gnomAD exomes 0.00055.
gnomAD v4.1: 814 of 1,535,320 alleles (0.053%); highest among the groups gnomAD compares: Non-Finnish European, 0.066%; 1 homozygote.

Submission:

CeGaT Center for Human Genetics Tuebingen
Classification: Likely benign. Last evaluated: 2022-05-01. Review status: criteria provided, single submitter. Criteria: CeGaT Center For Human Genetics Tuebingen Variant Classification Criteria Version 2. Collection method: clinical testing. Allele origin: germline. Affected: yes. Observed: 1 variant allele.
Comment: IZUMO3: BP4, BP7